The following is an entry in ClinVar:

ClinVar aggregate classification (germline): Benign/Likely benign. Review status: criteria provided, multiple submitters, no conflicts (2 of 4 stars). 6 submissions from 6 submitters: Benign (5); Likely benign (1). Last evaluated 2026-09-01.

Conditions:
Megaloblastic anemia, thiamine-responsive, with diabetes mellitus and sensorineural deafness (TRMA). Also called: ROGERS SYNDROME; THIAMINE-RESPONSIVE ANEMIA SYNDROME; THIAMINE-RESPONSIVE MYELODYSPLASIA; THIAMINE METABOLISM DYSFUNCTION SYNDROME 1 (MEGALOBLASTIC ANEMIA, DIABETES MELLITUS, AND DEAFNESS TYPE); Thiamine-Responsive Megaloblastic Anemia Syndrome. Identifiers: Orphanet 49827, MedGen C0342287, MONDO:0009575, OMIM 249270.

Allele frequency attached by ClinVar (database versions not stated): ESP Exome Variant Server 0.00008; gnomAD 0.00041; TOPMed 0.00102; 1000 Genomes Project 0.00280; 1000 Genomes Project 30x 0.00297.
gnomAD v4.1: 899 of 1,613,926 alleles (0.056%); highest among the groups gnomAD compares: Admixed American, 1.4%; 16 homozygotes.

Submissions (6):

CeGaT Center for Human Genetics Tuebingen
Classification: Benign. Last evaluated: 2026-09-01. Review status: criteria provided, single submitter. Criteria: CeGaT Center For Human Genetics Tuebingen Variant Classification Criteria Version 2. Collection method: clinical testing. Allele origin: germline. Affected: yes. Observed: 5 variant alleles.
Comment: SLC19A2: BP4, BS1, BS2

Labcorp Genetics (formerly Invitae), Labcorp
Classification: Benign. Last evaluated: 2026-02-01. Review status: criteria provided, single submitter. Criteria: Invitae Variant Classification Sherloc (09022015). Collection method: clinical testing. Allele origin: germline.

Mayo Clinic Laboratories, Mayo Clinic
Classification: Benign. Last evaluated: 2024-11-06. Review status: criteria provided, single submitter. Criteria: ACMG Guidelines, 2015. Collection method: clinical testing. Allele origin: germline. Observed: 1 variant allele.
Comment: BA1, BS2

ARUP Laboratories, Molecular Genetics and Genomics, ARUP Laboratories
Classification: Likely benign for Megaloblastic anemia, thiamine-responsive, with diabetes mellitus and sensorineural deafness. Last evaluated: 2023-03-24. Review status: criteria provided, single submitter. Criteria: ARUP Molecular Germline Variant Investigation Process 2024. Collection method: clinical testing. Allele origin: germline.

GeneDx
Classification: Benign. Last evaluated: 2018-06-07. Review status: criteria provided, single submitter. Criteria: GeneDx Variant Classification (06012015). Collection method: clinical testing. Allele origin: germline. Affected: yes.
Comment: This variant is considered likely benign or benign based on one or more of the following criteria: it is a conservative change, it occurs at a poorly conserved position in the protein, it is predicted to be benign by multiple in silico algorithms, and/or has population frequency not consistent with disease.

Breakthrough Genomics
Classification: Benign. Review status: criteria provided, single submitter. Criteria: ACMG Guidelines, 2015. Collection method: not provided. Allele origin: germline. Inheritance: Autosomal recessive inheritance. Affected: yes.

NM_006996.3(SLC19A2):c.1093A>T (p.Thr365Ser)

Gene: SLC19A2 (solute carrier family 19 member 2; minus strand). Cytogenetic location: 1q24.2.
Variant type: single nucleotide variant.
Coding change: c.1093A>T on transcript NM_006996.3 (MANE Select); coding-DNA position 1093, A replaced by T.
Protein change: p.Thr365Ser; replaces threonine 365 with serine.
Molecular consequence: missense variant.
Genome position (GRCh38, 1-based): chr1:169,468,774, T>A on the plus strand (A>T on the coding strand, the complement: SLC19A2 is on the minus strand). VCF-style: chr1-169468774-T-A. GRCh37 (hg19) VCF-style: chr1-169438012-T-A.
Other names: p.Thr365Ser; c.490A>T, p.Thr164Ser (NM_001319667.1); short protein forms T365S, T164S.
Identifiers: ClinVar variation 678373 (VCV000678373.20), dbSNP rs150049339, ClinGen allele CA1232924.